The following is an entry in ClinVar:

NM_017636.4(TRPM4):c.3142G>A (p.Gly1048Ser)

Gene: TRPM4 (transient receptor potential cation channel subfamily M member 4; plus strand). Cytogenetic location: 19q13.33.
Variant type: single nucleotide variant.
Coding change: c.3142G>A on transcript NM_017636.4 (MANE Select); coding-DNA position 3142, G replaced by A.
Protein change: p.Gly1048Ser; replaces glycine 1048 with serine.
Molecular consequence: missense variant.
Genome position (GRCh38, 1-based): chr19:49,210,219, G>A. VCF-style: chr19-49210219-G-A. GRCh37 (hg19) VCF-style: chr19-49713476-G-A.
Other names: c.2620G>A, p.Gly874Ser (NM_001321283.2); c.2080G>A, p.Gly694Ser (NM_001321285.2); c.2707G>A, p.Gly903Ser (NM_001195227.2); c.2797G>A, p.Gly933Ser (NM_001321281.2); c.1534G>A, p.Gly512Ser (NM_001321282.2); short protein forms G1048S, G694S, G933S, G874S, G512S, G903S.
Identifiers: ClinVar variation 1939412 (VCV001939412.5), dbSNP rs1249072590, ClinGen allele CA406771476.

ClinVar aggregate classification (germline): Uncertain significance (1 of 4 stars; one submission).

Conditions:
Progressive familial heart block type IB (PFHB1B). Identifiers: Orphanet 871, MedGen C1970298, MONDO:0011474, OMIM 604559.

gnomAD v4.1: 7 of 1,614,154 alleles (0.00043%); highest among the groups gnomAD compares: Admixed American, 0.0017%; no homozygotes.

Submission:

Labcorp Genetics (formerly Invitae), Labcorp
Classification: Uncertain significance for Progressive familial heart block type IB. Last evaluated: 2023-07-06. Review status: criteria provided, single submitter. Criteria: Invitae Variant Classification Sherloc (09022015). Collection method: clinical testing. Allele origin: germline.
Comment: This variant has not been reported in the literature in individuals affected with TRPM4-related conditions. This variant is present in population databases (no rsID available, gnomAD 0.003%). This sequence change replaces glycine, which is neutral and non-polar, with serine, which is neutral and polar, at codon 1048 of the TRPM4 protein (p.Gly1048Ser). ClinVar contains an entry for this variant (Variation ID: 1939412). In summary, the available evidence is currently insufficient to determine the role of this variant in disease. Therefore, it has been classified as a Variant of Uncertain Significance. Algorithms developed to predict the effect of missense changes on protein structure and function output the following: SIFT: "Not Available"; PolyPhen-2: "Benign"; Align-GVGD: "Not Available". The serine amino acid residue is found in multiple mammalian species, which suggests that this missense change does not adversely affect protein function.